The following is an entry in ClinVar:

ClinVar aggregate classification (germline): Uncertain significance. Review status: criteria provided, multiple submitters, no conflicts (2 of 4 stars). 2 submissions from 2 submitters: Uncertain significance (2). Last evaluated 2024-11-18.

Conditions:
Long QT syndrome (LQTS). Identifiers: MedGen C0023976, MeSH D008133, MONDO:0002442. Disease mechanism: loss of function. Inheritance: Various modes of inheritance.
Cardiovascular phenotype. Identifiers: MedGen CN230736.

Allele frequency attached by ClinVar (database versions not stated): gnomAD exomes below 0.00001.
gnomAD v4.1: 6 of 1,563,252 alleles (0.00038%); highest among the groups gnomAD compares: Non-Finnish European, 0.00052%; no homozygotes.

Submissions (2):

Ambry Genetics
Classification: Uncertain significance for Cardiovascular phenotype. Last evaluated: 2024-11-18. Review status: criteria provided, single submitter. Criteria: Ambry Variant Classification Scheme 2023. Collection method: clinical testing. Allele origin: germline.
Comment: The p.V2636I variant (also known as c.7906G>A), located in coding exon 31 of the AKAP9 gene, results from a G to A substitution at nucleotide position 7906. The valine at codon 2636 is replaced by isoleucine, an amino acid with highly similar properties. This amino acid position is conserved. In addition, this alteration is predicted to be tolerated by in silico analysis. Based on the available evidence, the clinical significance of this variant remains unclear.

Labcorp Genetics (formerly Invitae), Labcorp
Classification: Uncertain significance for Long QT syndrome. Last evaluated: 2022-12-21. Review status: criteria provided, single submitter. Criteria: Invitae Variant Classification Sherloc (09022015). Collection method: clinical testing. Allele origin: germline.
Comment: In summary, the available evidence is currently insufficient to determine the role of this variant in disease. Therefore, it has been classified as a Variant of Uncertain Significance. Algorithms developed to predict the effect of missense changes on protein structure and function (SIFT, PolyPhen-2, Align-GVGD) all suggest that this variant is likely to be tolerated. ClinVar contains an entry for this variant (Variation ID: 1484291). This variant has not been reported in the literature in individuals affected with AKAP9-related conditions. This variant is present in population databases (no rsID available, gnomAD 0.001%). This sequence change replaces valine, which is neutral and non-polar, with isoleucine, which is neutral and non-polar, at codon 2636 of the AKAP9 protein (p.Val2636Ile).

NM_005751.5(AKAP9):c.7906G>A (p.Val2636Ile)

Gene: AKAP9 (A-kinase anchoring protein 9; plus strand). Cytogenetic location: 7q21.2.
Variant type: single nucleotide variant.
Coding change: c.7906G>A on transcript NM_005751.5 (MANE Select); coding-DNA position 7906, G replaced by A.
Protein change: p.Val2636Ile; replaces valine 2636 with isoleucine.
Molecular consequence: missense variant.
Genome position (GRCh38, 1-based): chr7:92,080,039, G>A. VCF-style: chr7-92080039-G-A. GRCh37 (hg19) VCF-style: chr7-91709353-G-A.
Other names: c.7906G>A (NM_005751.4); c.2551G>A, p.Val851Ile (NM_001379277.1); c.7882G>A, p.Val2628Ile (NM_147185.3); short protein forms V851I, V2628I, V2636I.
Identifiers: ClinVar variation 1484291 (VCV001484291.7), dbSNP rs1183671911, ClinGen allele CA368136789.